The following is an entry in ClinVar:

ClinVar aggregate classification (germline): Likely benign (1 of 4 stars; one submission).

Allele frequency attached by ClinVar (database versions not stated): 1000 Genomes Project 0.00120; 1000 Genomes Project 30x 0.00125; ExAC 0.00217; ESP Exome Variant Server 0.00231; gnomAD 0.00248; TOPMed 0.00263.
gnomAD v4.1: 4,976 of 1,614,170 alleles (0.31%); highest among the groups gnomAD compares: Middle Eastern, 0.54%; 9 homozygotes.

Submission:

CeGaT Center for Human Genetics Tuebingen
Classification: Likely benign. Last evaluated: 2022-04-01. Review status: criteria provided, single submitter. Criteria: CeGaT Center For Human Genetics Tuebingen Variant Classification Criteria Version 2. Collection method: clinical testing. Allele origin: germline. Affected: yes. Observed: 1 variant allele.
Comment: KRT35: BP4, BP7

NM_002280.6(KRT35):c.642G>A (p.Lys214=)

Gene: KRT35 (keratin 35; minus strand). Cytogenetic location: 17q21.2.
Variant type: single nucleotide variant.
Coding change: c.642G>A on transcript NM_002280.6 (MANE Select); coding-DNA position 642, G replaced by A.
Protein change: p.Lys214=; no amino-acid change (lysine 214 retained).
Molecular consequence: synonymous variant.
Genome position (GRCh38, 1-based): chr17:41,479,416, C>T on the plus strand (G>A on the coding strand, the complement: KRT35 is on the minus strand). VCF-style: chr17-41479416-C-T. GRCh37 (hg19) VCF-style: chr17-39635668-C-T.
Identifiers: ClinVar variation 2647769 (VCV002647769.24), dbSNP rs189349506, ClinGen allele CA8559724.